The following is an entry in ClinVar:

ClinVar aggregate classification (germline): Conflicting classifications of pathogenicity. Review status: criteria provided, conflicting classifications (1 of 4 stars). 7 submissions from 7 submitters: Uncertain significance (1); Likely benign (5). 1 of the submissions does not count toward it. Last evaluated 2025-04-28.

Conditions:
Cardiovascular phenotype. Identifiers: MedGen CN230736.
Cardiomyopathy (CMYO). Also called: Cardiomyopathies. Identifiers: Orphanet 167848, MedGen C0878544, MONDO:0004994, HP:0001638. Inheritance: Various modes of inheritance.
Hypertrophic cardiomyopathy. Also called: HYPERTROPHIC MYOCARDIOPATHY. Identifiers: Orphanet 217569, MedGen C0007194, MeSH D002312, MONDO:0005045, HP:0001639.

Allele frequency attached by ClinVar (database versions not stated): ExAC 0.00001; gnomAD exomes 0.00001.
gnomAD v4.1: 8 of 1,613,510 alleles (0.0005%); highest among the groups gnomAD compares: Non-Finnish European, 0.00068%; no homozygotes.

Submissions (7):

Women's Health and Genetics/Laboratory Corporation of America, LabCorp
Classification: Likely benign. Last evaluated: 2025-04-28. Review status: criteria provided, single submitter. Criteria: LabCorp Variant Classification Summary - May 2015. Collection method: clinical testing. Allele origin: germline.
Comment: Variant summary: MYH7 c.531-5C>T alters a non-conserved nucleotide located at a position not widely known to affect splicing. Consensus agreement among computation tools predict no significant impact on normal splicing. However, these predictions have yet to be confirmed by functional studies. The variant allele was found at a frequency of 1.2e-05 in 251460 control chromosomes. The available data on variant occurrences in the general population are insufficient to allow any conclusion about variant significance. . c.531-5C>T has been reported in the literature in an individual affected with DCM and a family history of DCM (example, Pugh_2014). These report(s) do not provide unequivocal conclusions about association of the variant with Cardiomyopathy. To our knowledge, no experimental evidence demonstrating an impact on protein function has been reported. The following publication has been ascertained in the context of this evaluation (PMID: 24503780). ClinVar contains an entry for this variant (Variation ID: 43061). Based on the evidence outlined above, the variant was classified as likely benign.

Labcorp Genetics (formerly Invitae), Labcorp
Classification: Likely benign for Hypertrophic cardiomyopathy. Last evaluated: 2024-06-15. Review status: criteria provided, single submitter. Criteria: Invitae Variant Classification Sherloc (09022015). Collection method: clinical testing. Allele origin: germline.

All of Us Research Program, National Institutes of Health
Classification: Likely benign for Cardiomyopathy. Last evaluated: 2024-05-24. Review status: criteria provided, single submitter. Criteria: ACMG Guidelines, 2015. Collection method: clinical testing. Allele origin: germline. Inheritance: Autosomal dominant inheritance. Observed: 3 variant alleles, 3 heterozygotes.
Comment: This study involves interpretation of variants in research participants for the purpose of population health screening. Participant phenotype was not available at the time of variant classification. Additional details can be found in publication PMID: 35346344, PMCID: PMC8962531

Blueprint Genetics
Classification: Likely benign. Last evaluated: 2023-08-16. Review status: criteria provided, single submitter. Criteria: ACMG Guidelines, 2015. Collection method: clinical testing. Allele origin: germline.

Color Diagnostics, LLC DBA Color Health
Classification: Likely benign for Cardiomyopathy. Last evaluated: 2020-08-04. Review status: criteria provided, single submitter. Criteria: ACMG Guidelines, 2015. Collection method: clinical testing. Allele origin: germline.

Ambry Genetics
Classification: Uncertain significance for Cardiovascular phenotype. Last evaluated: 2017-10-20. Review status: criteria provided, single submitter. Criteria: Ambry Variant Classification Scheme 2023. Collection method: clinical testing. Allele origin: germline.
Comment: The c.531-5C>T intronic alteration consists of a C to T substitution 5 nucleotides before coding exon 5 in the MYH7 gene. Based on insufficient or conflicting evidence, the clinical significance of this alteration remains unclear.

Laboratory for Molecular Medicine, Mass General Brigham Personalized Medicine
Classification: Uncertain significance. Last evaluated: 2017-03-02. Review status: no assertion criteria provided. Collection method: clinical testing. Allele origin: germline. Observed: 4 variant alleles. Not counted in ClinVar's aggregate classification.
Comment: proposed classification - variant undergoing re-assessment, contact laboratory

Literature cited by the submitters: PubMed 24503780 (cited by Women's Health and Genetics/Laboratory Corporation of America, LabCorp); PubMed 18506004 (cited by Laboratory for Molecular Medicine, Mass General Brigham Personalized Medicine).

NM_000257.4(MYH7):c.531-5C>T

Gene: MYH7 (myosin heavy chain 7; minus strand). Cytogenetic location: 14q11.2.
Variant type: single nucleotide variant.
Coding change: c.531-5C>T on transcript NM_000257.4 (MANE Select); 5 bases into the intron before coding-DNA position 531, C replaced by T.
Molecular consequence: intron variant.
Genome position (GRCh38, 1-based): chr14:23,431,874, G>A on the plus strand (C>T on the coding strand, the complement: MYH7 is on the minus strand). VCF-style: chr14-23431874-G-A. GRCh37 (hg19) VCF-style: chr14-23901083-G-A.
Identifiers: ClinVar variation 43061 (VCV000043061.24), dbSNP rs397516243, ClinGen allele CA015931.
Genomic context (GRCh38, chr14:23,431,874, plus strand): 5'-CAAAGTACTGGATGACCCTCTTGGTGTTGACTGTCTTCCCTGCTCCGGATTCTCCGCTGT[G>A]AAGACAGGGGCTTATTGGGCAGTGAACAATACTACTGGAGACCAGCAAGCCTCAAATCAG-3'